The following is an entry in ClinVar:

ClinVar aggregate classification (germline): Benign/Likely benign. Review status: criteria provided, multiple submitters, no conflicts (2 of 4 stars). 13 submissions from 12 submitters: Benign (8); Likely benign (1). 4 of the submissions do not count toward it. Last evaluated 2026-01-27.

Conditions:
Adams-Oliver syndrome 5 (AOS5). Identifiers: Orphanet 974, MedGen C4014970, MONDO:0014459, OMIM 616028.
Familial thoracic aortic aneurysm and aortic dissection (TAAD). Also called: Thoracic aortic aneurysms and dissections. Identifiers: Orphanet 91387, MedGen C4707243, MONDO:0019625.
Aortic valve disease 1 (AOVD1). Identifiers: MedGen C3887892, MONDO:0024523, OMIM 109730.

Allele frequency attached by ClinVar (database versions not stated): 1000 Genomes Project 0.00439; ESP Exome Variant Server 0.00457; TOPMed 0.00481; 1000 Genomes Project 30x 0.00500.
gnomAD v4.1: 1,439 of 1,609,252 alleles (0.089%); highest among the groups gnomAD compares: African/African-American, 1.6%; 15 homozygotes.

Submissions (13):

Labcorp Genetics (formerly Invitae), Labcorp
Classification: Benign for Adams-Oliver syndrome 5. Last evaluated: 2026-01-27. Review status: criteria provided, single submitter. Criteria: Invitae Variant Classification Sherloc (09022015). Collection method: clinical testing. Allele origin: germline.

Women's Health and Genetics/Laboratory Corporation of America, LabCorp
Classification: Likely benign. Last evaluated: 2023-07-21. Review status: criteria provided, single submitter. Criteria: LabCorp Variant Classification Summary - May 2015. Collection method: clinical testing. Allele origin: germline.

Genome-Nilou Lab
Classification: Benign for Adams-Oliver syndrome 5. Last evaluated: 2022-03-15. Review status: criteria provided, single submitter. Criteria: ACMG Guidelines, 2015. Collection method: clinical testing. Allele origin: germline. Affected: no.

Genome-Nilou Lab
Classification: Benign for Aortic valve disease 1. Last evaluated: 2022-03-15. Review status: criteria provided, single submitter. Criteria: ACMG Guidelines, 2015. Collection method: clinical testing. Allele origin: germline. Affected: no.

Mayo Clinic Laboratories, Mayo Clinic
Classification: Benign. Last evaluated: 2020-12-08. Review status: criteria provided, single submitter. Criteria: ACMG Guidelines, 2015. Collection method: clinical testing. Allele origin: germline. Observed: 4 variant alleles.

CHEO Genetics Diagnostic Laboratory, Children's Hospital of Eastern Ontario
Classification: Benign for Familial thoracic aortic aneurysm and aortic dissection. Last evaluated: 2017-08-11. Review status: criteria provided, single submitter. Criteria: ACMG Guidelines, 2015. Collection method: clinical testing. Allele origin: germline. Study: Canadian Open Genetics Repository.

GeneDx
Classification: Benign. Last evaluated: 2017-01-23. Review status: criteria provided, single submitter. Criteria: GeneDx Variant Classification (06012015). Collection method: clinical testing. Allele origin: germline. Affected: yes.
Comment: This variant is considered likely benign or benign based on one or more of the following criteria: it is a conservative change, it occurs at a poorly conserved position in the protein, it is predicted to be benign by multiple in silico algorithms, and/or has population frequency not consistent with disease.

Ambry Genetics
Classification: Benign for Familial thoracic aortic aneurysm and aortic dissection. Last evaluated: 2016-01-07. Review status: criteria provided, single submitter. Criteria: Ambry Variant Classification Scheme 2023. Collection method: clinical testing. Allele origin: germline.

Breakthrough Genomics
Classification: Benign. Review status: criteria provided, single submitter. Criteria: ACMG Guidelines, 2015. Collection method: not provided. Allele origin: germline. Inheritance: Autosomal dominant inheritance. Affected: yes.

ITMI
No classification provided. Condition: AllHighlyPenetrant. Last evaluated: 2013-09-19. Review status: no classification provided. Collection method: reference population. Allele origin: germline. Not counted in ClinVar's aggregate classification.
Comment: Please see associated publication for description of ethnicities

Clinical Genetics DNA and cytogenetics Diagnostics Lab, Erasmus MC, Erasmus Medical Center
Classification: Benign. Review status: no assertion criteria provided. Collection method: clinical testing. Allele origin: germline. Affected: yes. Study: VKGL Data-share Consensus. Not counted in ClinVar's aggregate classification.

Genome Diagnostics Laboratory, Amsterdam University Medical Center
Classification: Benign. Review status: no assertion criteria provided. Collection method: clinical testing. Allele origin: germline. Affected: yes. Study: VKGL Data-share Consensus. Not counted in ClinVar's aggregate classification.

Laboratory of Diagnostic Genome Analysis, Leiden University Medical Center (LUMC)
Classification: Benign. Review status: no assertion criteria provided. Collection method: clinical testing. Allele origin: germline. Affected: yes. Study: VKGL Data-share Consensus. Not counted in ClinVar's aggregate classification.

Literature cited by the submitters: PubMed 24943832 (cited by Women's Health and Genetics/Laboratory Corporation of America, LabCorp); PubMed 16614245 (cited by Women's Health and Genetics/Laboratory Corporation of America, LabCorp); PubMed 21670202 (cited by Women's Health and Genetics/Laboratory Corporation of America, LabCorp); PubMed 22210878 (cited by Women's Health and Genetics/Laboratory Corporation of America, LabCorp); PubMed 19635999 (cited by Women's Health and Genetics/Laboratory Corporation of America, LabCorp); PubMed 26837699 (cited by Women's Health and Genetics/Laboratory Corporation of America, LabCorp); PubMed 23086750 (cited by Women's Health and Genetics/Laboratory Corporation of America, LabCorp); PubMed 19245433 (cited by Women's Health and Genetics/Laboratory Corporation of America, LabCorp); PubMed 22077063 (cited by Women's Health and Genetics/Laboratory Corporation of America, LabCorp); PubMed 15472075 (cited by Women's Health and Genetics/Laboratory Corporation of America, LabCorp); PubMed 23734977 (cited by Women's Health and Genetics/Laboratory Corporation of America, LabCorp); PubMed 22858860 (cited by Women's Health and Genetics/Laboratory Corporation of America, LabCorp); PubMed 24728327 (cited by ITMI).

NM_017617.5(NOTCH1):c.6454G>C (p.Gly2152Arg)

Gene: NOTCH1 (notch receptor 1; minus strand). Cytogenetic location: 9q34.3.
Variant type: single nucleotide variant.
Coding change: c.6454G>C on transcript NM_017617.5 (MANE Select); coding-DNA position 6454, G replaced by C.
Protein change: p.Gly2152Arg; replaces glycine 2152 with arginine.
Molecular consequence: missense variant.
Genome position (GRCh38, 1-based): chr9:136,497,285, C>G on the plus strand (G>C on the coding strand, the complement: NOTCH1 is on the minus strand). VCF-style: chr9-136497285-C-G. GRCh37 (hg19) VCF-style: chr9-139391737-C-G.
Other names: p.Gly2152Arg; c.6454G>C, p.Gly2152Arg (LRG_1122t1); c.6454G>C (NM_017617.4); short protein forms G2152R.
Identifiers: ClinVar variation 134949 (VCV000134949.25), dbSNP rs116317506, ClinGen allele CA161225.